The following is an entry in ClinVar:

NM_014780.5(CUL7):c.3685C>T (p.Gln1229Ter)

Gene: CUL7 (cullin 7; minus strand). Cytogenetic location: 6p21.1.
Variant type: single nucleotide variant.
Coding change: c.3685C>T on transcript NM_014780.5 (MANE Select); coding-DNA position 3685, C replaced by T.
Protein change: p.Gln1229Ter; replaces glutamine 1229 with a stop codon.
Molecular consequence: nonsense.
Genome position (GRCh38, 1-based): chr6:43,041,036, G>A on the plus strand (C>T on the coding strand, the complement: CUL7 is on the minus strand). VCF-style: chr6-43041036-G-A. GRCh37 (hg19) VCF-style: chr6-43008774-G-A.
Other names: c.3781C>T, p.Gln1261Ter (NM_001168370.2, NM_001374872.1); c.3685C>T, p.Gln1229Ter (NM_001374873.1); c.3682C>T, p.Gln1228Ter (NM_001374874.1); short protein forms Q1229*, Q1228*, Q1261*.
Identifiers: ClinVar variation 599184 (VCV000599184.2), dbSNP rs1561875767, ClinGen allele CA364200299.

ClinVar aggregate classification (germline): Likely pathogenic (0 of 4 stars; one submission).

Conditions:
3M syndrome 1. Also called: 3-M Syndrome, CUL7-Related. Identifiers: Orphanet 2616, MedGen C2678312, MONDO:0010117, OMIM 273750.

Submission:

Hacettepe Genetic Diseases Diagnosis Center, Hacettepe University Faculty of Medicine
Classification: Likely pathogenic for 3M syndrome 1. Last evaluated: 2014-10-10. Review status: no assertion criteria provided. Collection method: clinical testing. Allele origin: germline. Inheritance: Autosomal recessive inheritance. Affected: yes. Observed: 1 homozygote.
Comment: In summary, the p.Gln1229Ter variant meets our criteria to be classified as likely pathogenic.

Literature cited by the submitters: PubMed 30980518.